The following is an entry in ClinVar:

ClinVar aggregate classification (germline): Uncertain significance. Review status: criteria provided, multiple submitters, no conflicts (2 of 4 stars). 3 submissions from 3 submitters: Uncertain significance (3). Last evaluated 2025-07-03.

Conditions:
Inborn genetic diseases. Identifiers: MedGen C0950123, MeSH D030342.

Allele frequency attached by ClinVar (database versions not stated): ExAC 0.00002; gnomAD exomes 0.00003; ESP Exome Variant Server 0.00015; gnomAD 0.00005 and 0.00006; TOPMed 0.00007.
gnomAD v4.1: 98 of 1,614,072 alleles (0.0061%); highest among the groups gnomAD compares: Non-Finnish European, 0.0068%; no homozygotes.

Submissions (3):

GeneDx
Classification: Uncertain significance. Last evaluated: 2025-07-03. Review status: criteria provided, single submitter. Criteria: GeneDx Variant Classification Process June 2021. Collection method: clinical testing. Allele origin: germline. Affected: yes.
Comment: Not observed at significant frequency in large population cohorts (gnomAD); In silico analysis suggests that this missense variant does not alter protein structure/function; Has not been previously published as pathogenic or benign to our knowledge

Labcorp Genetics (formerly Invitae), Labcorp
Classification: Uncertain significance. Last evaluated: 2022-04-20. Review status: criteria provided, single submitter. Criteria: Invitae Variant Classification Sherloc (09022015). Collection method: clinical testing. Allele origin: germline.
Comment: This sequence change replaces arginine, which is basic and polar, with histidine, which is basic and polar, at codon 107 of the BOLA3 protein (p.Arg107His). This variant is present in population databases (rs146336257, gnomAD 0.004%). This variant has not been reported in the literature in individuals affected with BOLA3-related conditions. Algorithms developed to predict the effect of missense changes on protein structure and function output the following: SIFT: "Tolerated"; PolyPhen-2: "Possibly Damaging"; Align-GVGD: "Class C0". The histidine amino acid residue is found in multiple mammalian species, which suggests that this missense change does not adversely affect protein function. In summary, the available evidence is currently insufficient to determine the role of this variant in disease. Therefore, it has been classified as a Variant of Uncertain Significance.

Ambry Genetics
Classification: Uncertain significance for Inborn genetic diseases. Last evaluated: 2021-02-11. Review status: criteria provided, single submitter. Criteria: Ambry Variant Classification Scheme 2023. Collection method: clinical testing. Allele origin: germline.

NM_212552.3(BOLA3):c.320G>A (p.Arg107His)

Gene: BOLA3 (bolA family member 3; minus strand). Cytogenetic location: 2p13.1.
Variant type: single nucleotide variant.
Coding change: c.320G>A on transcript NM_212552.3 (MANE Select); coding-DNA position 320, G replaced by A.
Protein change: p.Arg107His; replaces arginine 107 with histidine.
Molecular consequence: missense variant. On other transcripts: synonymous variant (1).
Genome position (GRCh38, 1-based): chr2:74,135,597, C>T on the plus strand (G>A on the coding strand, the complement: BOLA3 is on the minus strand). VCF-style: chr2-74135597-C-T. GRCh37 (hg19) VCF-style: chr2-74362724-C-T.
Other names: c.320G>A (NM_212552.2); c.231G>A, p.Thr77= (NM_001035505.2); short protein forms R107H.
Identifiers: ClinVar variation 1370328 (VCV001370328.7), dbSNP rs146336257, ClinGen allele CA1719440.
Genomic context (GRCh38, chr2:74,135,597, plus strand): 5'-GTCAGTGAAGTTCATCCAAGGTCTTAAGCAGCAGCATCTATGCAGCCAGGGCGTGGTCAG[C>T]GTTTGGGGACAGAGGTAAATATCCGCAATCCATGCATCTCTTTGATTTCTTCTTTTAGTG-3'
Protein context (NP_997717.2, residues 97-107): GLRIFTSVPK[Arg107His]